The following is an entry in ClinVar:

NM_017654.4(SAMD9):c.2114T>C (p.Phe705Ser)

Gene: SAMD9 (sterile alpha motif domain containing 9; minus strand). Cytogenetic location: 7q21.2.
Variant type: single nucleotide variant.
Coding change: c.2114T>C on transcript NM_017654.4 (MANE Select); coding-DNA position 2114, T replaced by C.
Protein change: p.Phe705Ser; replaces phenylalanine 705 with serine.
Molecular consequence: missense variant.
Genome position (GRCh38, 1-based): chr7:93,103,984, A>G on the plus strand (T>C on the coding strand, the complement: SAMD9 is on the minus strand). VCF-style: chr7-93103984-A-G. GRCh37 (hg19) VCF-style: chr7-92733297-A-G.
Other names: c.2114T>C, p.Phe705Ser (NM_001193307.2); short protein forms F705S.
Identifiers: ClinVar variation 4863766 (VCV004863766.1).

ClinVar aggregate classification (germline): Uncertain significance (1 of 4 stars; one submission).

Conditions:
Inborn genetic diseases. Identifiers: MedGen C0950123, MeSH D030342.

Submission:

Ambry Genetics
Classification: Uncertain significance for Inborn genetic diseases. Last evaluated: 2026-03-22. Review status: criteria provided, single submitter. Criteria: Ambry Variant Classification Scheme 2023. Collection method: clinical testing. Allele origin: germline.
Comment: The p.F705S variant (also known as c.2114T>C), located in coding exon 1 of the SAMD9 gene, results from a T to C substitution at nucleotide position 2114. The phenylalanine at codon 705 is replaced by serine, an amino acid with highly dissimilar properties. This amino acid position is conserved. In addition, the in silico prediction for this alteration is inconclusive. Based on the available evidence, the clinical significance of this variant remains unclear.